The following is an entry in ClinVar:

ClinVar aggregate classification (germline): Uncertain significance (1 of 4 stars; one submission).

Conditions:
Neurodevelopmental disorder with hypotonia, stereotypic hand movements, and impaired language. Also called: Intellectual disability, autosomal dominant 20. Identifiers: Orphanet 228384, Orphanet 664410, MedGen C3150700, MONDO:0013266, OMIM 613443.

Allele frequency attached by ClinVar (database versions not stated): gnomAD 0.00001; TOPMed 0.00002.
gnomAD v4.1: 4 of 1,613,778 alleles (0.00025%); highest among the groups gnomAD compares: African/African-American, 0.004%; no homozygotes.

Submission:

Labcorp Genetics (formerly Invitae), Labcorp
Classification: Uncertain significance for Neurodevelopmental disorder with hypotonia, stereotypic hand movements, and impaired language. Last evaluated: 2025-12-13. Review status: criteria provided, single submitter. Criteria: Invitae Variant Classification Sherloc (09022015). Collection method: clinical testing. Allele origin: germline.
Comment: This sequence change replaces glutamic acid, which is acidic and polar, with aspartic acid, which is acidic and polar, at codon 456 of the MEF2C protein (p.Glu456Asp). This variant is present in population databases (no rsID available, gnomAD 0.007%). This variant has not been reported in the literature in individuals affected with MEF2C-related conditions. ClinVar contains an entry for this variant (Variation ID: 2806205). Invitae Evidence Modeling of protein sequence and biophysical properties (such as structural, functional, and spatial information, amino acid conservation, physicochemical variation, residue mobility, and thermodynamic stability) indicates that this missense variant is not expected to disrupt MEF2C protein function with a negative predictive value of 95%. In summary, the available evidence is currently insufficient to determine the role of this variant in disease. Therefore, it has been classified as a Variant of Uncertain Significance.

NM_002397.5(MEF2C):c.1368A>C (p.Glu456Asp)

Genes: MEF2C (myocyte enhancer factor 2C; minus strand), MEF2C-AS2 (MEF2C antisense RNA 2; plus strand). Cytogenetic location: 5q14.3.
Variant type: single nucleotide variant.
Coding change: c.1368A>C on transcript NM_002397.5 (MANE Select); coding-DNA position 1368, A replaced by C.
Protein change: p.Glu456Asp; replaces glutamic acid 456 with aspartic acid.
Molecular consequence: missense variant. On other transcripts: non-coding transcript variant (1), 3 prime UTR variant (9).
Genome position (GRCh38, 1-based): chr5:88,722,658, T>G on the plus strand (A>C on the coding strand, the complement: MEF2C is on the minus strand). VCF-style: chr5-88722658-T-G. GRCh37 (hg19) VCF-style: chr5-88018475-T-G.
Other names: c.1272A>C, p.Glu424Asp (NM_001364335.2, NM_001364336.2, NM_001364337.2 and 2 more transcripts); c.1302A>C, p.Glu434Asp (NM_001364338.2); c.1248A>C, p.Glu416Asp (NM_001364339.2, NM_001364340.2, NM_001364341.2 and 1 more transcripts); c.1242A>C, p.Glu414Asp (NM_001364343.2); c.1224A>C, p.Glu408Asp (NM_001364344.2); c.1338A>C, p.Glu446Asp (NM_001131005.2); c.1398A>C, p.Glu466Asp (NM_001193347.1); c.1200A>C, p.Glu400Asp (NM_001193348.1); and 7 more; short protein forms E274D, E400D, E424D, E408D, E446D, E456D, E466D, E298D.
Identifiers: ClinVar variation 2806205 (VCV002806205.3), dbSNP rs1385998887, ClinGen allele CA360421801.